The following is an entry in ClinVar:

NM_015015.3(KDM4B):c.3164C>T (p.Ala1055Val)

Gene: KDM4B (lysine demethylase 4B; plus strand). Cytogenetic location: 19p13.3.
Variant type: single nucleotide variant.
Coding change: c.3164C>T on transcript NM_015015.3 (MANE Select); coding-DNA position 3164, C replaced by T.
Protein change: p.Ala1055Val; replaces alanine 1055 with valine.
Molecular consequence: missense variant.
Genome position (GRCh38, 1-based): chr19:5,151,384, C>T. VCF-style: chr19-5151384-C-T. GRCh37 (hg19) VCF-style: chr19-5151395-C-T.
Other names: c.3266C>T, p.Ala1089Val (NM_001411148.1); short protein forms A1055V, A1089V.
Identifiers: ClinVar variation 2342169 (VCV002342169.3), dbSNP rs35255064, ClinGen allele CA9108510.

ClinVar aggregate classification (germline): Likely benign. Review status: criteria provided, multiple submitters, no conflicts (2 of 4 stars). 2 submissions from 2 submitters: Likely benign (2). Last evaluated 2026-04-09.

Conditions:
KDM4B-related disorder. Also called: KDM4B-related condition.
Inborn genetic diseases. Identifiers: MedGen C0950123, MeSH D030342.

Allele frequency attached by ClinVar (database versions not stated): 1000 Genomes Project 30x 0.00031; ESP Exome Variant Server 0.00040; ExAC 0.00073; TOPMed 0.00076; gnomAD 0.00078; gnomAD exomes 0.00111.
gnomAD v4.1: 1,718 of 1,587,856 alleles (0.11%); highest among the groups gnomAD compares: Non-Finnish European, 0.14%; 1 homozygote.

Submissions (2):

PreventionGenetics, part of Exact Sciences
Classification: Likely benign for KDM4B-related condition. Last evaluated: 2026-04-09. Review status: criteria provided, single submitter. Criteria: ACMG Guidelines, 2015. Collection method: clinical testing. Allele origin: germline.
Comment: This variant is classified as likely benign based on ACMG/AMP sequence variant interpretation guidelines (Richards et al. 2015 PMID: 25741868, with internal and published modifications).

Ambry Genetics
Classification: Likely benign for Inborn genetic diseases. Last evaluated: 2022-11-23. Review status: criteria provided, single submitter. Criteria: Ambry Variant Classification Scheme 2023. Collection method: clinical testing. Allele origin: germline.